The following is an entry in ClinVar:

Conditions:
Long QT syndrome 5 (LQT5). Identifiers: Orphanet 101016, Orphanet 768, MedGen C1867904, MONDO:0013372, OMIM 613695.

Submission:

Roden Lab, Vanderbilt University Medical Center
No classification provided (evidence only). Condition: Long QT syndrome 5. Review status: no classification provided. Collection method: in vitro. Allele origin: not applicable. Functional consequence: Effect on ion channel function.
ClinVar note: "not provided" was previously submitted as the classification for the variant. However, the classification appeared to be based only on an observation of functional data so it was converted to no classification on 2025-07-30.

NM_000219.6(KCNE1):c.356A>T (p.Asn119Ile)

Gene: KCNE1 (potassium voltage-gated channel subfamily E regulatory subunit 1; minus strand). Cytogenetic location: 21q22.12.
Variant type: single nucleotide variant.
Coding change: c.356A>T on transcript NM_000219.6 (MANE Select); coding-DNA position 356, A replaced by T.
Protein change: p.Asn119Ile; replaces asparagine 119 with isoleucine.
Molecular consequence: missense variant.
Genome position (GRCh38, 1-based): chr21:34,449,279, T>A on the plus strand (A>T on the coding strand, the complement: KCNE1 is on the minus strand). VCF-style: chr21-34449279-T-A. GRCh37 (hg19) VCF-style: chr21-35821577-T-A.
Other names: c.356A>T, p.Asn119Ile (NM_001127668.4, NM_001127669.4, NM_001127670.4 and 4 more transcripts); short protein forms N119I.
Identifiers: ClinVar variation 3373799 (VCV003373799.2).